The following is an entry in ClinVar:

ClinVar aggregate classification (germline): Pathogenic. Review status: no assertion criteria provided (0 of 4 stars). 2 submissions from 2 submitters: Pathogenic (1). 1 of the submissions does not count toward it.

Conditions:
Developmental and epileptic encephalopathy, 7 (DEE7). Also called: KCNQ2-Related Neonatal Epileptic Encephalopathy; Early infantile epileptic encephalopathy 7; KCNQ2-Related Neonatal-Onset Developmental and Epileptic Encephalopathy (NEO-DEE). Identifiers: Orphanet 439218, MedGen C3150986, MONDO:0013387, OMIM 613720.

Submissions (2):

GeneReviews
No classification provided. Condition: Developmental and epileptic encephalopathy, 7. Review status: no classification provided. Collection method: literature only. Allele origin: germline. Affected: yes. Not counted in ClinVar's aggregate classification.
Comment: EE (epileptic encephalopathy)

NeuroMeGen, Hospital Clinico Santiago de Compostela
Classification: Pathogenic for Developmental and epileptic encephalopathy, 7. Review status: no assertion criteria provided. Criteria: ACMG Guidelines, 2015. Collection method: clinical testing. Allele origin: de novo. Affected: yes.

Literature cited by the submitters: PubMed 24107868 (cited by GeneReviews); NCBI Bookshelf NBK32534 (cited by GeneReviews).

NM_172107.4(KCNQ2):c.943G>C (p.Gly315Arg)

Gene: KCNQ2 (potassium voltage-gated channel subfamily Q member 2; minus strand). Cytogenetic location: 20q13.33.
Variant type: single nucleotide variant.
Coding change: c.943G>C on transcript NM_172107.4 (MANE Select); coding-DNA position 943, G replaced by C.
Protein change: p.Gly315Arg; replaces glycine 315 with arginine.
Molecular consequence: missense variant.
Genome position (GRCh38, 1-based): chr20:63,438,705, C>G on the plus strand (G>C on the coding strand, the complement: KCNQ2 is on the minus strand). VCF-style: chr20-63438705-C-G. GRCh37 (hg19) VCF-style: chr20-62070058-C-G.
Other names: c.943G>C, p.Gly315Arg (NM_004518.6, NM_172106.3, NM_172108.5 and 1 more transcripts); short protein forms G315R.
Identifiers: ClinVar variation 219237 (VCV000219237.2), dbSNP rs864321709, ClinGen allele CA347955.